The following is an entry in ClinVar:

ClinVar aggregate classification (germline): Likely benign. Review status: criteria provided, multiple submitters, no conflicts (2 of 4 stars). 2 submissions from 2 submitters: Likely benign (2). Last evaluated 2026-04-15.

Allele frequency attached by ClinVar (database versions not stated): gnomAD exomes below 0.00001 and 0.00001; ExAC 0.00001; gnomAD 0.00001; TOPMed 0.00001.
gnomAD v4.1: 12 of 1,612,404 alleles (0.00074%); highest among the groups gnomAD compares: Middle Eastern, 0.033%; no homozygotes.

Submissions (2):

Women's Health and Genetics/Laboratory Corporation of America, LabCorp
Classification: Likely benign. Last evaluated: 2026-04-15. Review status: criteria provided, single submitter. Criteria: LabCorp Variant Classification Summary - May 2015. Collection method: clinical testing. Allele origin: germline.
Comment: Variant summary: RIGI c.1212+17A>G alters a nucleotide located at a position not widely known to affect splicing. Consensus agreement among computation tools predict no significant impact on normal splicing. However, these predictions have yet to be confirmed by functional studies. The variant allele was found at a frequency of 8e-06 in 249986 control chromosomes. The available data on variant occurrences in the general population are insufficient to allow any conclusion about variant significance. To our knowledge, no occurrence of c.1212+17A>G in individuals affected with RIGI-related conditions and no experimental evidence demonstrating its impact on protein function have been reported. ClinVar contains an entry for this variant (Variation ID: 1153511). Based on the evidence outlined above, the variant was classified as likely benign.

Labcorp Genetics (formerly Invitae), Labcorp
Classification: Likely benign. Last evaluated: 2024-02-02. Review status: criteria provided, single submitter. Criteria: Invitae Variant Classification Sherloc (09022015). Collection method: clinical testing. Allele origin: germline.

NM_014314.4(RIGI):c.1212+17A>G

Gene: RIGI (RNA sensor RIG-I; minus strand). Cytogenetic location: 9p21.1.
Variant type: single nucleotide variant.
Coding change: c.1212+17A>G on transcript NM_014314.4 (MANE Select); 17 bases into the intron after coding-DNA position 1212, A replaced by G.
Molecular consequence: intron variant.
Genome position (GRCh38, 1-based): chr9:32,487,928, T>C on the plus strand (A>G on the coding strand, the complement: RIGI is on the minus strand). VCF-style: chr9-32487928-T-C. GRCh37 (hg19) VCF-style: chr9-32487926-T-C.
Other names: c.603+17A>G (NM_001385912.1); c.1197+17A>G (NM_001385913.1); c.1206+17A>G (NM_001385907.1); c.1212+17A>G (NM_001385909.1); c.768+17A>G (NM_001385914.1); c.771+17A>G (NM_001385910.1).
Identifiers: ClinVar variation 1153511 (VCV001153511.10), dbSNP rs767551299, ClinGen allele CA5019896.